The following is an entry in ClinVar:

NM_001394372.1(BICRA):c.3964G>A (p.Val1322Met)

Gene: BICRA (BRD4 interacting chromatin remodeling complex associated protein; plus strand). Cytogenetic location: 19q13.33.
Variant type: single nucleotide variant.
Coding change: c.3964G>A on transcript NM_001394372.1 (MANE Select); coding-DNA position 3964, G replaced by A.
Protein change: p.Val1322Met; replaces valine 1322 with methionine.
Molecular consequence: missense variant.
Genome position (GRCh38, 1-based): chr19:47,701,696, G>A. VCF-style: chr19-47701696-G-A. GRCh37 (hg19) VCF-style: chr19-48204953-G-A.
Other names: c.3964G>A, p.Val1322Met (NM_015711.3); short protein forms V1322M.
Identifiers: ClinVar variation 2632764 (VCV002632764.1), dbSNP rs2514138366, ClinGen allele CA406614351.
Genomic context (GRCh38, chr19:47,701,696, plus strand): 5'-GCCCGGAGCCGCATCGGGCTCAAGCTCAAGATCAAGCAGGAAGCCGGGCTCAGCAAGGTC[G>A]TGCACAACACGGCCCTGGACCCCGTGCACCAGCCCCCGCCACCCCCCGCTACCCTCAAGG-3'
Protein context (NP_001381301.1, residues 1312-1332): IKQEAGLSKV[Val1322Met]HNTALDPVHQ

ClinVar aggregate classification (germline): Likely pathogenic (1 of 4 stars; one submission).

Conditions:
BICRA-related disorder. Also called: BICRA-related condition.

Allele frequency attached by ClinVar (database versions not stated): gnomAD exomes below 0.00001.

Submission:

PreventionGenetics, part of Exact Sciences
Classification: Likely pathogenic for BICRA-related condition. Last evaluated: 2023-05-10. Review status: criteria provided, single submitter. Criteria: ACMG Guidelines, 2015. Collection method: clinical testing. Allele origin: germline.
Comment: The BICRA c.3964G>A variant is predicted to result in the amino acid substitution p.Val1322Met. To our knowledge, this variant has not been reported in the literature or in a large population database, indicating this variant is rare. This variant is interpreted as likely pathogenic.